The following is an entry in ClinVar:

NM_015046.7(SETX):c.7720G>A (p.Glu2574Lys)

Gene: SETX (senataxin; minus strand). Cytogenetic location: 9q34.13.
Variant type: single nucleotide variant.
Coding change: c.7720G>A on transcript NM_015046.7 (MANE Select); coding-DNA position 7720, G replaced by A.
Protein change: p.Glu2574Lys; replaces glutamic acid 2574 with lysine.
Molecular consequence: missense variant.
Genome position (GRCh38, 1-based): chr9:132,264,553, C>T on the plus strand (G>A on the coding strand, the complement: SETX is on the minus strand). VCF-style: chr9-132264553-C-T. GRCh37 (hg19) VCF-style: chr9-135139940-C-T.
Other names: p.Glu2574Lys; c.7720G>A, p.Glu2574Lys (NM_001351527.2); c.7807G>A, p.Glu2603Lys (NM_001351528.2); c.7720G>A (NM_015046.5); short protein forms E2574K, E2603K.
Identifiers: ClinVar variation 1335741 (VCV001335741.40), dbSNP rs145345675, ClinGen allele CA5296348.

ClinVar aggregate classification (germline): Conflicting classifications of pathogenicity. Review status: criteria provided, conflicting classifications (1 of 4 stars). 4 submissions from 4 submitters: Uncertain significance (2); Benign (1). 1 of the submissions does not count toward it. Last evaluated 2023-11-02.

Conditions:
Amyotrophic lateral sclerosis type 4 (ALS4). Also called: NEURONOPATHY, DISTAL HEREDITARY MOTOR, WITH PYRAMIDAL FEATURES; AMYOTROPHIC LATERAL SCLEROSIS 4, JUVENILE. Identifiers: Orphanet 357043, MedGen C1865409, MONDO:0011223, OMIM 602433.
Spinocerebellar ataxia, autosomal recessive, with axonal neuropathy 2 (SCAN2). Also called: Ataxia with Oculomotor Apraxia Type 2; ATAXIA-OCULOMOTOR APRAXIA 2; Ataxia-ocular apraxia-2; Ataxia with Oculomotor Apraxia. Identifiers: Orphanet 64753, MedGen C1853761, MONDO:0018996, OMIM 606002.
SETX-related disorder. Also called: SETX-related condition; SETX-related disorders. Identifiers: MedGen CN239403.

Allele frequency attached by ClinVar (database versions not stated): ExAC 0.00001; gnomAD exomes 0.00001; ESP Exome Variant Server 0.00008.
gnomAD v4.1: 11 of 1,614,046 alleles (0.00068%); highest among the groups gnomAD compares: East Asian, 0.0067%; no homozygotes.

Submissions (4):

Mayo Clinic Laboratories, Mayo Clinic
Classification: Uncertain significance. Last evaluated: 2023-11-02. Review status: criteria provided, single submitter. Criteria: ACMG Guidelines, 2015. Collection method: clinical testing. Allele origin: germline. Observed: 1 variant allele.

Labcorp Genetics (formerly Invitae), Labcorp
Classification: Benign for Amyotrophic lateral sclerosis type 4; Spinocerebellar ataxia, autosomal recessive, with axonal neuropathy 2. Last evaluated: 2022-04-20. Review status: criteria provided, single submitter. Criteria: Invitae Variant Classification Sherloc (09022015). Collection method: clinical testing. Allele origin: germline.

CeGaT Center for Human Genetics Tuebingen
Classification: Uncertain significance. Last evaluated: 2021-12-01. Review status: criteria provided, single submitter. Criteria: CeGaT Center For Human Genetics Tuebingen Variant Classification Criteria Version 2. Collection method: clinical testing. Allele origin: germline. Affected: yes. Observed: 1 variant allele.

PreventionGenetics, part of Exact Sciences
Classification: Uncertain significance for SETX-related condition. Last evaluated: 2024-07-23. Review status: no assertion criteria provided. Collection method: clinical testing. Allele origin: germline. Not counted in ClinVar's aggregate classification.
Comment: The SETX c.7720G>A variant is predicted to result in the amino acid substitution p.Glu2574Lys. To our knowledge, this variant has not been reported in the literature. This variant is reported in 0.0050% of alleles in individuals of East Asian descent in gnomAD. At this time, the clinical significance of this variant is uncertain due to the absence of conclusive functional and genetic evidence.